The following is an entry in ClinVar:

ClinVar aggregate classification (germline): Likely benign (0 of 4 stars; one submission).

Conditions:
TBX3-related disorder. Also called: TBX3-related condition.

Submission:

PreventionGenetics, part of Exact Sciences
Classification: Likely benign for TBX3-related condition. Last evaluated: 2023-11-21. Review status: no assertion criteria provided. Collection method: clinical testing. Allele origin: germline.
Comment: This variant is classified as likely benign based on ACMG/AMP sequence variant interpretation guidelines (Richards et al. 2015 PMID: 25741868, with internal and published modifications).

NM_005996.4(TBX3):c.-870_-869insT

Genes: TBX3 (T-box transcription factor 3; minus strand), TBX3-AS1 (TBX3 antisense RNA 1; plus strand). Cytogenetic location: 12q24.21.
Variant type: Insertion.
Coding change: c.-870_-869insT on transcript NM_005996.4 (MANE Select); 870 bases upstream of the start codon through 869 bases upstream of the start codon, T inserted.
Molecular consequence: 5 prime UTR variant.
Genome position: GRCh38 VCF-style: chr12-114684069-G-GA. GRCh37 (hg19) VCF-style: chr12-115121874-G-GA.
Other names: c.-870_-869insT (NM_016569.4).
Identifiers: ClinVar variation 3355816 (VCV003355816.1).